The following is an entry in ClinVar:

NM_001130987.2(DYSF):c.2410-117A>G

Gene: DYSF (dysferlin; plus strand). Cytogenetic location: 2p13.2.
Variant type: single nucleotide variant.
Coding change: c.2410-117A>G on transcript NM_001130987.2 (MANE Select); 117 bases into the intron before coding-DNA position 2410, A replaced by G.
Molecular consequence: intron variant.
Genome position (GRCh38, 1-based): chr2:71,563,941, A>G. VCF-style: chr2-71563941-A-G. GRCh37 (hg19) VCF-style: chr2-71791071-A-G.
Other names: c.2449-117A>G (NM_001130979.2); c.2407-117A>G (NM_001130981.2, NM_001130980.2); c.2356-117A>G (NM_001130978.2, NM_003494.4); c.2314-117A>G (NM_001130977.2, NM_001130976.2); c.2452-117A>G (NM_001130982.2); c.2410-117A>G (NM_001130985.2); c.2359-117A>G (NM_001130983.2, NM_001130455.2); c.2317-117A>G (NM_001130984.2, NM_001130986.2).
Identifiers: ClinVar variation 677326 (VCV000677326.4), dbSNP rs72827550, ClinGen allele CA49742153.

ClinVar aggregate classification (germline): Benign/Likely benign. Review status: criteria provided, multiple submitters, no conflicts (2 of 4 stars). 2 submissions from 2 submitters: Benign (1); Likely benign (1). Last evaluated 2021-06-10.

Conditions:
Miyoshi muscular dystrophy 1 (MMD1). Identifiers: Orphanet 45448, MedGen C4551973, MONDO:0024545, OMIM 254130.

Allele frequency attached by ClinVar (database versions not stated): 1000 Genomes Project 0.01358; 1000 Genomes Project 30x 0.01421; TOPMed 0.02092; gnomAD 0.02151 and 0.02209; gnomAD exomes 0.02997.
gnomAD v4.1: 41,376 of 1,422,612 alleles (2.9%); highest among the groups gnomAD compares: Middle Eastern, 6.5%; 756 homozygotes.

Submissions (2):

Genome-Nilou Lab
Classification: Benign for Miyoshi muscular dystrophy 1. Last evaluated: 2021-06-10. Review status: criteria provided, single submitter. Criteria: ACMG Guidelines, 2015. Collection method: clinical testing. Allele origin: germline. Affected: no.

GeneDx
Classification: Likely benign. Last evaluated: 2018-06-14. Review status: criteria provided, single submitter. Criteria: GeneDx Variant Classification (06012015). Collection method: clinical testing. Allele origin: germline. Affected: yes.
Comment: This variant is considered likely benign or benign based on one or more of the following criteria: it is a conservative change, it occurs at a poorly conserved position in the protein, it is predicted to be benign by multiple in silico algorithms, and/or has population frequency not consistent with disease.